The following is an entry in ClinVar:

ClinVar aggregate classification (germline): Benign/Likely benign. Review status: criteria provided, multiple submitters, no conflicts (2 of 4 stars). 7 submissions from 7 submitters: Benign (1); Likely benign (6). Last evaluated 2026-01-05.

Conditions:
Familial adenomatous polyposis 1 (FAP1). Also called: POLYPOSIS, ADENOMATOUS INTESTINAL; FAMILIAL ADENOMATOUS POLYPOSIS 1, ATTENUATED. Identifiers: MedGen C2713442, MONDO:0021056, OMIM 175100. Disease mechanism: loss of function.
Classic or attenuated familial adenomatous polyposis. Identifiers: MedGen CN372698, MONDO:0021057.
Hereditary cancer-predisposing syndrome. Also called: Neoplastic Syndromes, Hereditary; Tumor predisposition; Hereditary neoplastic syndrome; Hereditary Cancer Syndrome. Identifiers: Orphanet 140162, MedGen C0027672, MeSH D009386, MONDO:0015356.

Allele frequency attached by ClinVar (database versions not stated): gnomAD exomes 0.00001 and 0.00003; ExAC 0.00001; gnomAD 0.00001; TOPMed 0.00003.
gnomAD v4.1: 7 of 1,609,992 alleles (0.00043%); highest among the groups gnomAD compares: Admixed American, 0.012%; no homozygotes.

Submissions (7):

Labcorp Genetics (formerly Invitae), Labcorp
Classification: Likely benign for Familial adenomatous polyposis 1. Last evaluated: 2026-01-05. Review status: criteria provided, single submitter. Criteria: Invitae Variant Classification Sherloc (09022015). Collection method: clinical testing. Allele origin: germline.

Myriad Genetics, Inc.
Classification: Benign for Familial adenomatous polyposis 1. Last evaluated: 2024-04-04. Review status: criteria provided, single submitter. Criteria: Myriad Autosomal Dominant, Autosomal Recessive and X-Linked Classification Criteria (2023). Collection method: clinical testing. Allele origin: unknown.
Comment: This variant is considered benign. This variant is a silent/synonymous amino acid change and it is not expected to impact splicing.

All of Us Research Program, National Institutes of Health
Classification: Likely benign for Classic or attenuated familial adenomatous polyposis. Last evaluated: 2024-02-22. Review status: criteria provided, single submitter. Criteria: ACMG Guidelines, 2015. Collection method: clinical testing. Allele origin: germline. Inheritance: Autosomal dominant inheritance. Observed: 2 variant alleles, 2 heterozygotes.
Comment: This study involves interpretation of variants in research participants for the purpose of population health screening. Participant phenotype was not available at the time of variant classification. Additional details can be found in publication PMID: 35346344, PMCID: PMC8962531

Women's Health and Genetics/Laboratory Corporation of America, LabCorp
Classification: Likely benign. Last evaluated: 2022-08-28. Review status: criteria provided, single submitter. Criteria: LabCorp Variant Classification Summary - May 2015. Collection method: clinical testing. Allele origin: germline.

Color Diagnostics, LLC DBA Color Health
Classification: Likely benign for Hereditary cancer-predisposing syndrome. Last evaluated: 2018-04-12. Review status: criteria provided, single submitter. Criteria: ACMG Guidelines, 2015. Collection method: clinical testing. Allele origin: germline.

GeneDx
Classification: Likely benign. Last evaluated: 2016-06-29. Review status: criteria provided, single submitter. Criteria: GeneDx Variant Classification (06012015). Collection method: clinical testing. Allele origin: germline. Affected: yes.
Comment: This variant is considered likely benign or benign based on one or more of the following criteria: it is a conservative change, it occurs at a poorly conserved position in the protein, it is predicted to be benign by multiple in silico algorithms, and/or has population frequency not consistent with disease.

Ambry Genetics
Classification: Likely benign for Hereditary cancer-predisposing syndrome. Last evaluated: 2015-05-12. Review status: criteria provided, single submitter. Criteria: Ambry Variant Classification Scheme 2023. Collection method: clinical testing. Allele origin: germline.

NM_000038.6(APC):c.6492C>T (p.Gly2164=)

Gene: APC (APC regulator of Wnt signaling pathway; plus strand). Cytogenetic location: 5q22.2.
Variant type: single nucleotide variant.
Coding change: c.6492C>T on transcript NM_000038.6 (MANE Select); coding-DNA position 6492, C replaced by T.
Protein change: p.Gly2164=; no amino-acid change (glycine 2164 retained).
Molecular consequence: synonymous variant.
Genome position (GRCh38, 1-based): chr5:112,842,086, C>T. VCF-style: chr5-112842086-C-T. GRCh37 (hg19) VCF-style: chr5-112177783-C-T.
Other names: c.6492C>T, p.Gly2164= (NM_001127510.3, NM_001354895.2); c.6438C>T, p.Gly2146= (NM_001127511.3); c.6546C>T, p.Gly2182= (NM_001354896.2); c.6522C>T, p.Gly2174= (NM_001354897.2); c.6417C>T, p.Gly2139= (NM_001354898.2); c.6408C>T, p.Gly2136= (NM_001354899.2); c.6369C>T, p.Gly2123= (NM_001354900.2); c.6315C>T, p.Gly2105= (NM_001354901.2); and 5 more.
Identifiers: ClinVar variation 350418 (VCV000350418.25), dbSNP rs765332758, ClinGen allele CA045015.